The following is an entry in ClinVar:

ClinVar aggregate classification (germline): Pathogenic (1 of 4 stars; one submission).

Conditions:
Polycystic kidney disease, adult type (PKD1). Also called: Polycystic Kidney Disease 1, Autosomal Dominant; POLYCYSTIC KIDNEY DISEASE, ADULT, TYPE I; Polycystic kidney disease 1; Polycystic kidney disease 1, severe; POLYCYSTIC KIDNEY DISEASE 1 WITH OR WITHOUT POLYCYSTIC LIVER DISEASE; Polycystic Kidney, Autosomal Dominant. Identifiers: MedGen C3149841, MONDO:0008263, OMIM 173900.

Submission:

MVZ Medizinische Genetik Mainz
Classification: Pathogenic for Polycystic kidney disease, adult type. Last evaluated: 2026-06-15. Review status: criteria provided, single submitter. Criteria: UK Practice Guidelines For Variant Classification V4 01 2020. Collection method: clinical testing. Allele origin: germline. Inheritance: Autosomal dominant inheritance. Affected: yes. Observed: 1 variant allele.
Comment: ACMG Criteria: PVS1,PM2_SUP,PP4

NM_001009944.3(PKD1):c.2640dup (p.Phe881fs)

Gene: PKD1 (polycystin 1, transient receptor potential channel interacting; minus strand). Cytogenetic location: 16p13.3.
Variant type: Duplication.
Coding change: c.2640dup on transcript NM_001009944.3 (MANE Select); coding-DNA position 2640, one base duplicated (C; older notation c.2640dupC).
Protein change: p.Phe881fs; shifts the reading frame from phenylalanine 881.
Molecular consequence: frameshift variant.
Genome position (GRCh38, 1-based): chr16:2,114,383, G duplicated on the plus strand (C on the coding strand, the reverse complement: PKD1 is on the minus strand); the first of 2 consecutive G bases (chr16:2,114,383-2,114,384); duplicating either gives the same sequence. VCF-style (leftmost placement, unchanged base first): chr16-2114382-A-AG. GRCh37 (hg19) VCF-style: chr16-2164383-A-AG.
Other names: c.2640dup, p.Phe881fs (NM_000296.4); short protein forms F881fs.
Identifiers: ClinVar variation 5038233 (VCV005038233.1).